The following is an entry in ClinVar:

NM_001111067.4(ACVR1):c.572G>A (p.Gly191Glu)

Gene: ACVR1 (activin A receptor type 1; minus strand). Cytogenetic location: 2q24.1.
Variant type: single nucleotide variant.
Coding change: c.572G>A on transcript NM_001111067.4 (MANE Select); coding-DNA position 572, G replaced by A.
Protein change: p.Gly191Glu; replaces glycine 191 with glutamic acid.
Molecular consequence: missense variant.
Genome position (GRCh38, 1-based): chr2:157,774,159, C>T on the plus strand (G>A on the coding strand, the complement: ACVR1 is on the minus strand). VCF-style: chr2-157774159-C-T. GRCh37 (hg19) VCF-style: chr2-158630671-C-T.
Other names: c.572G>A, p.Gly191Glu (NM_001105.5, NM_001347663.1, NM_001347664.1 and 3 more transcripts); short protein forms G191E.
Identifiers: ClinVar variation 2095973 (VCV002095973.4), dbSNP rs2467951048, ClinGen allele CA349192640.

ClinVar aggregate classification (germline): Uncertain significance (1 of 4 stars; one submission).

Submission:

Labcorp Genetics (formerly Invitae), Labcorp
Classification: Uncertain significance. Last evaluated: 2022-02-10. Review status: criteria provided, single submitter. Criteria: Invitae Variant Classification Sherloc (09022015). Collection method: clinical testing. Allele origin: germline.
Comment: This sequence change replaces glycine, which is neutral and non-polar, with glutamic acid, which is acidic and polar, at codon 191 of the ACVR1 protein (p.Gly191Glu). This variant is not present in population databases (gnomAD no frequency). This variant has not been reported in the literature in individuals affected with ACVR1-related conditions. Algorithms developed to predict the effect of missense changes on protein structure and function are either unavailable or do not agree on the potential impact of this missense change (SIFT: "Deleterious"; PolyPhen-2: "Probably Damaging"; Align-GVGD: "Class C0"). In summary, the available evidence is currently insufficient to determine the role of this variant in disease. Therefore, it has been classified as a Variant of Uncertain Significance.